The following is an entry in ClinVar:

NM_014159.7(SETD2):c.-60C>G

Genes: SETD2 (SET domain containing 2, histone lysine methyltransferase; minus strand), LOC129936665 (ATAC-STARR-seq lymphoblastoid silent region 14306; plus strand). Cytogenetic location: 3p21.31.
Variant type: single nucleotide variant.
Coding change: c.-60C>G on transcript NM_014159.7 (MANE Select); 60 bases upstream of the start codon, C replaced by G.
Molecular consequence: 5 prime UTR variant. On other transcripts: non-coding transcript variant (1).
Genome position (GRCh38, 1-based): chr3:47,163,984, G>C on the plus strand (C>G on the coding strand, the complement: SETD2 is on the minus strand). VCF-style: chr3-47163984-G-C. GRCh37 (hg19) VCF-style: chr3-47205474-G-C.
Other names: c.-176C>G (NM_001349370.3).
Identifiers: ClinVar variation 4882147 (VCV004882147.2).

ClinVar aggregate classification (germline): Uncertain significance (1 of 4 stars; one submission).

Conditions:
Luscan-Lumish syndrome. Identifiers: Orphanet 597738, MedGen C4085873, MONDO:0014791, OMIM 616831.

gnomAD v4.1: 20 of 1,249,796 alleles (0.0016%); highest among the groups gnomAD compares: Admixed American, 0.0041%; no homozygotes.

Submission:

Dasa
Classification: Uncertain significance for Luscan-Lumish syndrome. Last evaluated: 2025-12-21. Review status: criteria provided, single submitter. Criteria: DASA Assertion Criteria. Collection method: clinical testing. Allele origin: germline.
Comment: NM_014159.7(SETD2):c.-60C>G is an intronic variant. This variant is rare in population databases. The currently available literature and clinical evidence are not sufficient to establish a definitive association between this variant and the reported condition. Therefore, this variant is classified as a variant of uncertain significance.